The following is an entry in ClinVar:

ClinVar aggregate classification (germline): Uncertain significance (1 of 4 stars; one submission).

gnomAD v4.1: 2 of 1,598,286 alleles (0.00013%); highest among the groups gnomAD compares: Admixed American, 0.0035%; no homozygotes.

Submission:

Dasa
Classification: Uncertain significance. Last evaluated: 2024-12-03. Review status: criteria provided, single submitter. Criteria: DASA Assertion Criteria. Collection method: clinical testing. Allele origin: germline.
Comment: NM_018489.3(ASH1L):c.424C>A (p.Pro142Thr) is a missense variant that results in the substitution of proline with threonine. This variant is rare in population databases. Computational prediction algorithms are consistent with a benign effect. The currently available literature and clinical evidence are not sufficient to establish a definitive association between this variant and the reported condition. Therefore, this variant is classified as a variant of uncertain significance.

NM_018489.3(ASH1L):c.424C>A (p.Pro142Thr)

Gene: ASH1L (ASH1 like histone lysine methyltransferase; minus strand). Cytogenetic location: 1q22.
Variant type: single nucleotide variant.
Coding change: c.424C>A on transcript NM_018489.3 (MANE Select); coding-DNA position 424, C replaced by A.
Protein change: p.Pro142Thr; replaces proline 142 with threonine.
Molecular consequence: missense variant.
Genome position (GRCh38, 1-based): chr1:155,482,446, G>T on the plus strand (C>A on the coding strand, the complement: ASH1L is on the minus strand). VCF-style: chr1-155482446-G-T. GRCh37 (hg19) VCF-style: chr1-155452237-G-T.
Other names: c.424C>A, p.Pro142Thr (NM_001366177.2); short protein forms P142T.
Identifiers: ClinVar variation 4881696 (VCV004881696.2).